The following is an entry in ClinVar:

NM_000245.4(MET):c.2583+10G>T

Gene: MET (MET proto-oncogene, receptor tyrosine kinase; plus strand). Cytogenetic location: 7q31.2.
Variant type: single nucleotide variant.
Coding change: c.2583+10G>T on transcript NM_000245.4 (MANE Select); 10 bases into the intron after coding-DNA position 2583, G replaced by T.
Molecular consequence: intron variant.
Genome position (GRCh38, 1-based): chr7:116,763,278, G>T. VCF-style: chr7-116763278-G-T. GRCh37 (hg19) VCF-style: chr7-116403332-G-T.
Other names: c.2637+10G>T (NM_001127500.3); c.1293+10G>T (NM_001324402.2); c.2583+10G>T (NM_001324401.3).
Identifiers: ClinVar variation 1139813 (VCV001139813.10), dbSNP rs2116957648, ClinGen allele CA2499218670.

ClinVar aggregate classification (germline): Likely benign. Review status: criteria provided, multiple submitters, no conflicts (2 of 4 stars). 2 submissions from 2 submitters: Likely benign (2). Last evaluated 2025-11-10.

Conditions:
Papillary renal cell carcinoma type 1 (RCCP1). Also called: RENAL CELL CARCINOMA, PAPILLARY, 1, SOMATIC; Renal adenocarcinoma; Renal cell carcinoma 1; Renal cell carcinoma, somatic. Identifiers: Orphanet 47044, MedGen C1336839, OMIM 605074, HP:0011797.
Renal cell carcinoma. Identifiers: Orphanet 217071, MedGen C0007134, MeSH D002292, MONDO:0005086, HP:0005584.

Submissions (2):

Labcorp Genetics (formerly Invitae), Labcorp
Classification: Likely benign for Renal cell carcinoma. Last evaluated: 2025-11-10. Review status: criteria provided, single submitter. Criteria: Invitae Variant Classification Sherloc (09022015). Collection method: clinical testing. Allele origin: germline.

Myriad Genetics, Inc.
Classification: Likely benign for Papillary renal cell carcinoma type 1. Last evaluated: 2024-11-11. Review status: criteria provided, single submitter. Criteria: Myriad Autosomal Dominant, Autosomal Recessive and X-Linked Classification Criteria (2023). Collection method: clinical testing. Allele origin: unknown.
Comment: This variant is considered likely benign. This variant is intronic and is not expected to impact mRNA splicing.